The following is an entry in ClinVar:

NM_001127496.3(SPRY4):c.-28C>T

Gene: SPRY4 (sprouty RTK signaling antagonist 4; minus strand). Cytogenetic location: 5q31.3.
Variant type: single nucleotide variant.
Coding change: c.-28C>T on transcript NM_001127496.3 (MANE Select); 28 bases upstream of the start codon, C replaced by T.
Molecular consequence: 5 prime UTR variant. On other transcripts: synonymous variant (1).
Genome position (GRCh38, 1-based): chr5:142,315,136, G>A on the plus strand (C>T on the coding strand, the complement: SPRY4 is on the minus strand). VCF-style: chr5-142315136-G-A. GRCh37 (hg19) VCF-style: chr5-141694701-G-A.
Other names: c.-28C>T (NM_001293289.3, NM_001293290.3); c.42C>T, p.Phe14= (NM_030964.5); c.42C>T (NM_030964.3).
Identifiers: ClinVar variation 1594431 (VCV001594431.9), dbSNP rs373633980, ClinGen allele CA3485650.

ClinVar aggregate classification (germline): Likely benign. Review status: criteria provided, multiple submitters, no conflicts (2 of 4 stars). 2 submissions from 2 submitters: Likely benign (2). Last evaluated 2026-03-25.

Conditions:
SPRY4-related disorder. Also called: SPRY4-related condition.

Allele frequency attached by ClinVar (database versions not stated): ESP Exome Variant Server 0.00009; gnomAD 0.00009 and 0.00012; TOPMed 0.00009; gnomAD exomes 0.00016 and 0.00027; ExAC 0.00025.

Submissions (2):

PreventionGenetics, part of Exact Sciences
Classification: Likely benign for SPRY4-related condition. Last evaluated: 2026-03-25. Review status: criteria provided, single submitter. Criteria: ACMG Guidelines, 2015. Collection method: clinical testing. Allele origin: germline.
Comment: This variant is classified as likely benign based on ACMG/AMP sequence variant interpretation guidelines (Richards et al. 2015 PMID: 25741868, with internal and published modifications).

Labcorp Genetics (formerly Invitae), Labcorp
Classification: Likely benign. Last evaluated: 2026-01-23. Review status: criteria provided, single submitter. Criteria: Invitae Variant Classification Sherloc (09022015). Collection method: clinical testing. Allele origin: germline.